The following is an entry in ClinVar:

ClinVar aggregate classification (germline): Conflicting classifications of pathogenicity. Review status: criteria provided, conflicting classifications (1 of 4 stars). 2 submissions from 2 submitters: Uncertain significance (1); Benign (1). Last evaluated 2022-03-17.

Conditions:
Acute intermittent porphyria (AIP). Also called: HMBS deficiency; Hydroxymethylbilane Synthase Deficiency; PBGD DEFICIENCY; PORPHOBILINOGEN DEAMINASE DEFICIENCY; PORPHYRIA, SWEDISH TYPE; UPS DEFICIENCY. Identifiers: Orphanet 79276, MedGen C0162565, MONDO:0008294, OMIM 176000.

Allele frequency attached by ClinVar (database versions not stated): 1000 Genomes Project 0.00020; gnomAD 0.00001; gnomAD exomes 0.00004 and 0.00003; ExAC 0.00005; 1000 Genomes Project 30x 0.00016; TOPMed 0.00002.

Submissions (2):

Labcorp Genetics (formerly Invitae), Labcorp
Classification: Uncertain significance. Last evaluated: 2022-03-17. Review status: criteria provided, single submitter. Criteria: Invitae Variant Classification Sherloc (09022015). Collection method: clinical testing. Allele origin: germline.
Comment: ClinVar contains an entry for this variant (Variation ID: 1301997). This variant has not been reported in the literature in individuals affected with ABCB6-related conditions. This variant is present in population databases (rs541845688, gnomAD 0.01%). This sequence change replaces glycine, which is neutral and non-polar, with serine, which is neutral and polar, at codon 729 of the ABCB6 protein (p.Gly729Ser). Algorithms developed to predict the effect of missense changes on protein structure and function (SIFT, PolyPhen-2, Align-GVGD) all suggest that this variant is likely to be disruptive. In summary, the available evidence is currently insufficient to determine the role of this variant in disease. Therefore, it has been classified as a Variant of Uncertain Significance.

Phillips Lab,  Hematology, University of Utah
Classification: Benign for Acute intermittent porphyria. Last evaluated: 2021-08-16. Review status: criteria provided, single submitter. Criteria: Submitter’s Publication. Collection method: clinical testing. Allele origin: unknown. Affected: yes.

NM_005689.4(ABCB6):c.2185G>A (p.Gly729Ser)

Gene: ABCB6 (ATP binding cassette subfamily B member 6 (LAN blood group); minus strand). Cytogenetic location: 2q35.
Variant type: single nucleotide variant.
Coding change: c.2185G>A on transcript NM_005689.4 (MANE Select); coding-DNA position 2185, G replaced by A.
Protein change: p.Gly729Ser; replaces glycine 729 with serine.
Molecular consequence: missense variant.
Genome position (GRCh38, 1-based): chr2:219,210,782, C>T on the plus strand (G>A on the coding strand, the complement: ABCB6 is on the minus strand). VCF-style: chr2-219210782-C-T. GRCh37 (hg19) VCF-style: chr2-220075504-C-T.
Other names: c.2047G>A, p.Gly683Ser (NM_001349828.2); short protein forms G683S, G729S.
Identifiers: ClinVar variation 1301997 (VCV001301997.6), dbSNP rs541845688, ClinGen allele CA2119020.